The following is an entry in ClinVar:

NM_001001331.4(ATP2B2):c.2272G>A (p.Glu758Lys)

Gene: ATP2B2 (ATPase plasma membrane Ca2+ transporting 2; minus strand). Cytogenetic location: 3p25.3.
Variant type: single nucleotide variant.
Coding change: c.2272G>A on transcript NM_001001331.4 (MANE Select); coding-DNA position 2272, G replaced by A.
Protein change: p.Glu758Lys; replaces glutamic acid 758 with lysine.
Molecular consequence: missense variant.
Genome position (GRCh38, 1-based): chr3:10,350,442, C>T on the plus strand (G>A on the coding strand, the complement: ATP2B2 is on the minus strand). VCF-style: chr3-10350442-C-T. GRCh37 (hg19) VCF-style: chr3-10392126-C-T.
Other names: c.2137G>A, p.Glu713Lys (NM_001330611.3, NM_001353564.1, NM_001363862.1 and 1 more transcripts); short protein forms E713K, E758K.
Identifiers: ClinVar variation 3678481 (VCV003678481.2).

ClinVar aggregate classification (germline): Uncertain significance (1 of 4 stars; one submission).

gnomAD v4.1: 12 of 1,614,094 alleles (0.00074%); highest among the groups gnomAD compares: Non-Finnish European, 0.00076%; no homozygotes.

Submission:

Labcorp Genetics (formerly Invitae), Labcorp
Classification: Uncertain significance. Last evaluated: 2024-02-12. Review status: criteria provided, single submitter. Criteria: Invitae Variant Classification Sherloc (09022015). Collection method: clinical testing. Allele origin: germline.
Comment: This sequence change replaces glutamic acid, which is acidic and polar, with lysine, which is basic and polar, at codon 713 of the ATP2B2 protein (p.Glu713Lys). This variant is present in population databases (rs759078548, gnomAD 0.002%). This variant has not been reported in the literature in individuals affected with ATP2B2-related conditions. Advanced modeling of protein sequence and biophysical properties (such as structural, functional, and spatial information, amino acid conservation, physicochemical variation, residue mobility, and thermodynamic stability) performed at Invitae indicates that this missense variant is expected to disrupt ATP2B2 protein function with a positive predictive value of 80%. In summary, the available evidence is currently insufficient to determine the role of this variant in disease. Therefore, it has been classified as a Variant of Uncertain Significance.